The following is an entry in ClinVar:

NM_000138.5(FBN1):c.2687G>C (p.Cys896Ser)

Gene: FBN1 (fibrillin 1; minus strand). Cytogenetic location: 15q21.1.
Variant type: single nucleotide variant.
Coding change: c.2687G>C on transcript NM_000138.5 (MANE Select); coding-DNA position 2687, G replaced by C.
Protein change: p.Cys896Ser; replaces cysteine 896 with serine.
Molecular consequence: missense variant.
Genome position (GRCh38, 1-based): chr15:48,494,245, C>G on the plus strand (G>C on the coding strand, the complement: FBN1 is on the minus strand). VCF-style: chr15-48494245-C-G. GRCh37 (hg19) VCF-style: chr15-48786442-C-G.
Other names: c.2687G>C, p.Cys896Ser (NM_001406716.1); short protein forms C896S.
Identifiers: ClinVar variation 2922191 (VCV002922191.3), dbSNP rs2141302442, ClinGen allele CA392331713.

ClinVar aggregate classification (germline): Likely pathogenic (1 of 4 stars; one submission).

Conditions:
Marfan syndrome (MFS). Also called: MARFAN SYNDROME, TYPE I; Marfan syndrome type 1; Marfan's syndrome; Marfan syndrome, classic; FBN1-Related Marfan Syndrome. Identifiers: Orphanet 284963, Orphanet 558, MedGen C0024796, MONDO:0007947, OMIM 154700.
Familial thoracic aortic aneurysm and aortic dissection (TAAD). Also called: Thoracic aortic aneurysms and dissections. Identifiers: Orphanet 91387, MedGen C4707243, MONDO:0019625.

Submission:

Labcorp Genetics (formerly Invitae), Labcorp
Classification: Likely pathogenic for Marfan syndrome; Familial thoracic aortic aneurysm and aortic dissection. Last evaluated: 2024-03-30. Review status: criteria provided, single submitter. Criteria: Invitae Variant Classification Sherloc (09022015). Collection method: clinical testing. Allele origin: germline.
Comment: This sequence change replaces cysteine, which is neutral and slightly polar, with serine, which is neutral and polar, at codon 896 of the FBN1 protein (p.Cys896Ser). This variant is not present in population databases (gnomAD no frequency). This missense change has been observed in individual(s) with FBN1-related conditions (Invitae). Advanced modeling of protein sequence and biophysical properties (such as structural, functional, and spatial information, amino acid conservation, physicochemical variation, residue mobility, and thermodynamic stability) performed at Invitae indicates that this missense variant is expected to disrupt FBN1 protein function with a positive predictive value of 95%. This variant disrupts the p.Cys896 amino acid residue in FBN1. Other variant(s) that disrupt this residue have been determined to be pathogenic (PMID: 19293843). This suggests that this residue is clinically significant, and that variants that disrupt this residue are likely to be disease-causing. In summary, the currently available evidence indicates that the variant is pathogenic, but additional data are needed to prove that conclusively. Therefore, this variant has been classified as Likely Pathogenic.

Literature cited by the submitters: PubMed 19293843.